The following is an entry in ClinVar:

NM_001211.6(BUB1B):c.2902C>T (p.His968Tyr)

Genes: BUB1B (BUB1 mitotic checkpoint serine/threonine kinase B; plus strand), BUB1B-PAK6 (BUB1B-PAK6 readthrough; plus strand). Cytogenetic location: 15q15.1.
Variant type: single nucleotide variant.
Coding change: c.2902C>T on transcript NM_001211.6 (MANE Select); coding-DNA position 2902, C replaced by T.
Protein change: p.His968Tyr; replaces histidine 968 with tyrosine.
Molecular consequence: missense variant. On other transcripts: intron variant (2).
Genome position (GRCh38, 1-based): chr15:40,218,507, C>T. VCF-style: chr15-40218507-C-T. GRCh37 (hg19) VCF-style: chr15-40510708-C-T.
Other names: c.-201+840C>T (NM_001128628.3); c.-118+840C>T (NM_001128629.3); short protein forms H968Y.
Identifiers: ClinVar variation 2124256 (VCV002124256.5), dbSNP rs2542587678, ClinGen allele CA391688290.
Genomic context (GRCh38, chr15:40,218,507, plus strand): 5'-TGATTTCAGGTAGACCTGTTTGGTATAGCAGATTTAGCACATTTACTATTGTTCAAGGAA[C>T]ACCTACAGGTCTTCTGGGATGGGTCCTTCTGGAAACTTAGCCAAAATATTTCTGAGTAAG-3'
Protein context (NP_001202.5, residues 958-978): DLAHLLLFKE[His968Tyr]LQVFWDGSFW

ClinVar aggregate classification (germline): Uncertain significance. Review status: criteria provided, multiple submitters, no conflicts (2 of 4 stars). 2 submissions from 2 submitters: Uncertain significance (2). Last evaluated 2024-08-07.

Conditions:
Inborn genetic diseases. Identifiers: MedGen C0950123, MeSH D030342.
Mosaic variegated aneuploidy syndrome 1 (MVA1). Also called: Warburton-Anyane-Yeboa syndrome. Identifiers: Orphanet 1052, MedGen C1850343, MONDO:0009759, OMIM 257300.

Submissions (2):

Ambry Genetics
Classification: Uncertain significance for Inborn genetic diseases. Last evaluated: 2024-08-07. Review status: criteria provided, single submitter. Criteria: Ambry Variant Classification Scheme 2023. Collection method: clinical testing. Allele origin: germline.
Comment: The p.H968Y variant (also known as c.2902C>T), located in coding exon 22 of the BUB1B gene, results from a C to T substitution at nucleotide position 2902. The histidine at codon 968 is replaced by tyrosine, an amino acid with similar properties. This amino acid position is conserved. In addition, this alteration is predicted to be tolerated by in silico analysis. Based on the available evidence, the clinical significance of this variant remains unclear.

Labcorp Genetics (formerly Invitae), Labcorp
Classification: Uncertain significance for Mosaic variegated aneuploidy syndrome 1. Last evaluated: 2022-04-10. Review status: criteria provided, single submitter. Criteria: Invitae Variant Classification Sherloc (09022015). Collection method: clinical testing. Allele origin: germline.
Comment: This variant is not present in population databases (gnomAD no frequency). This variant has not been reported in the literature in individuals affected with BUB1B-related conditions. Algorithms developed to predict the effect of missense changes on protein structure and function are either unavailable or do not agree on the potential impact of this missense change (SIFT: "Tolerated"; PolyPhen-2: "Probably Damaging"; Align-GVGD: "Class C0"). In summary, the available evidence is currently insufficient to determine the role of this variant in disease. Therefore, it has been classified as a Variant of Uncertain Significance. This sequence change replaces histidine, which is basic and polar, with tyrosine, which is neutral and polar, at codon 968 of the BUB1B protein (p.His968Tyr).